The following is an entry in ClinVar:

ClinVar aggregate classification (germline): Pathogenic. Review status: criteria provided, multiple submitters, no conflicts (2 of 4 stars). 6 submissions from 6 submitters: Pathogenic (4). 2 of the submissions do not count toward it. Last evaluated 2025-09-20.

Conditions:
Werner syndrome (WRN). Identifiers: Orphanet 902, MedGen C0043119, MONDO:0010196, OMIM 277700.

Allele frequency attached by ClinVar (database versions not stated): TOPMed below 0.00001; gnomAD exomes 0.00002; ExAC 0.00003.
gnomAD v4.1: 17 of 1,612,438 alleles (0.0011%); highest among the groups gnomAD compares: South Asian, 0.0033%; no homozygotes.

Submissions (6):

Labcorp Genetics (formerly Invitae), Labcorp
Classification: Pathogenic for Werner syndrome. Last evaluated: 2025-09-20. Review status: criteria provided, single submitter. Criteria: Invitae Variant Classification Sherloc (09022015). Collection method: clinical testing. Allele origin: germline.
Comment: This sequence change creates a premature translational stop signal (p.Arg889*) in the WRN gene. It is expected to result in an absent or disrupted protein product. Loss-of-function variants in WRN are known to be pathogenic (PMID: 16673358). This variant is present in population databases (rs774765029, gnomAD 0.03%). This premature translational stop signal has been observed in individual(s) with Werner syndrome (PMID: 8968742, 9012406, 16673358, 16786514). ClinVar contains an entry for this variant (Variation ID: 404045). RNA analysis performed to evaluate the impact of this premature translational stop signal on mRNA splicing indicates it does not significantly alter splicing (internal data). For these reasons, this variant has been classified as Pathogenic.

CeGaT Center for Human Genetics Tuebingen
Classification: Pathogenic. Last evaluated: 2024-04-01. Review status: criteria provided, single submitter. Criteria: CeGaT Center For Human Genetics Tuebingen Variant Classification Criteria Version 2. Collection method: clinical testing. Allele origin: germline. Affected: yes. Observed: 1 variant allele.
Comment: WRN: PVS1, PM2:Supporting, PS3:Supporting

Baylor Genetics
Classification: Pathogenic for Werner syndrome. Last evaluated: 2024-03-09. Review status: criteria provided, single submitter. Criteria: ACMG Guidelines, 2015. Collection method: clinical testing. Allele origin: unknown.

Women's Health and Genetics/Laboratory Corporation of America, LabCorp
Classification: Pathogenic for Werner syndrome. Last evaluated: 2023-12-18. Review status: criteria provided, single submitter. Criteria: LabCorp Variant Classification Summary - May 2015. Collection method: clinical testing. Allele origin: germline.
Comment: Variant summary: WRN c.2665C>T (p.Arg889X) results in a premature termination codon, predicted to cause a truncation of the encoded protein or absence of the protein due to nonsense mediated decay, which are commonly known mechanisms for disease. The variant allele was found at a frequency of 2.4e-05 in 251074 control chromosomes. c.2665C>T has been reported in the literature in multiple individuals affected with Werner Syndrome (eg. Huang_2006). One submitter has cited clinical-significance assessments for this variant to ClinVar after 2014 and has classified the variant as pathogenic. Based on the evidence outlined above, the variant was classified as pathogenic.

Clinical Genetics DNA and cytogenetics Diagnostics Lab, Erasmus MC, Erasmus Medical Center
Classification: Pathogenic. Review status: no assertion criteria provided. Collection method: clinical testing. Allele origin: germline. Affected: yes. Study: VKGL Data-share Consensus. Not counted in ClinVar's aggregate classification.

Genome Diagnostics Laboratory, Amsterdam University Medical Center
Classification: Pathogenic. Review status: no assertion criteria provided. Collection method: clinical testing. Allele origin: germline. Affected: yes. Study: VKGL Data-share Consensus. Not counted in ClinVar's aggregate classification.

Literature cited by the submitters: PubMed 16673358 (cited by Labcorp Genetics (formerly Invitae), Labcorp and Women's Health and Genetics/Laboratory Corporation of America, LabCorp); PubMed 8968742 (cited by Labcorp Genetics (formerly Invitae), Labcorp); PubMed 9012406 (cited by Labcorp Genetics (formerly Invitae), Labcorp); PubMed 16786514 (cited by Labcorp Genetics (formerly Invitae), Labcorp).

NM_000553.6(WRN):c.2665C>T (p.Arg889Ter)

Gene: WRN (WRN RecQ like helicase; plus strand). Cytogenetic location: 8p12.
Variant type: single nucleotide variant.
Coding change: c.2665C>T on transcript NM_000553.6 (MANE Select); coding-DNA position 2665, C replaced by T.
Protein change: p.Arg889Ter; replaces arginine 889 with a stop codon.
Molecular consequence: nonsense.
Genome position (GRCh38, 1-based): chr8:31,124,556, C>T. VCF-style: chr8-31124556-C-T. GRCh37 (hg19) VCF-style: chr8-30982072-C-T.
Other names: short protein forms R889*.
Identifiers: ClinVar variation 404045 (VCV000404045.29), dbSNP rs774765029, ClinGen allele CA4704812.